The following is an entry in ClinVar:

ClinVar aggregate classification (germline): Uncertain significance (1 of 4 stars; one submission).

gnomAD v4.1: 5 of 1,611,362 alleles (0.00031%); highest among the groups gnomAD compares: Non-Finnish European, 0.00042%; no homozygotes.

Submission:

GeneDx
Classification: Uncertain significance. Last evaluated: 2026-04-07. Review status: criteria provided, single submitter. Criteria: GeneDx Variant Classification Process June 2021. Collection method: clinical testing. Allele origin: germline.
Comment: Not observed at significant frequency in large population cohorts (gnomAD); In silico analysis supports that this missense variant has a deleterious effect on protein structure/function; Has not been previously published as pathogenic or benign to our knowledge

NM_139319.3(SLC17A8):c.578G>T (p.Gly193Val)

Gene: SLC17A8 (solute carrier family 17 member 8; plus strand). Cytogenetic location: 12q23.1.
Variant type: single nucleotide variant.
Coding change: c.578G>T on transcript NM_139319.3 (MANE Select); coding-DNA position 578, G replaced by T.
Protein change: p.Gly193Val; replaces glycine 193 with valine.
Molecular consequence: missense variant.
Genome position (GRCh38, 1-based): chr12:100,393,473, G>T. VCF-style: chr12-100393473-G-T. GRCh37 (hg19) VCF-style: chr12-100787251-G-T.
Other names: c.578G>T, p.Gly193Val (NM_001145288.2); short protein forms G193V.
Identifiers: ClinVar variation 4755877 (VCV004755877.2).